The following is an entry in ClinVar:

NM_000179.3(MSH6):c.3952A>T (p.Arg1318Ter)

Gene: MSH6 (mutS homolog 6; plus strand). Cytogenetic location: 2p16.3.
Variant type: single nucleotide variant.
Coding change: c.3952A>T on transcript NM_000179.3 (MANE Select); coding-DNA position 3952, A replaced by T.
Protein change: p.Arg1318Ter; replaces arginine 1318 with a stop codon.
Molecular consequence: nonsense.
Genome position (GRCh38, 1-based): chr2:47,806,602, A>T. VCF-style: chr2-47806602-A-T. GRCh37 (hg19) VCF-style: chr2-48033741-A-T.
Other names: c.3562A>T, p.Arg1188Ter (NM_001281492.2); c.3046A>T, p.Arg1016Ter (NM_001281493.2, NM_001281494.2); short protein forms R1016*, R1188*, R1318*.
Identifiers: ClinVar variation 667409 (VCV000667409.12), dbSNP rs1572747685, ClinGen allele CA346761526.

ClinVar aggregate classification (germline): Pathogenic/Likely pathogenic. Review status: criteria provided, multiple submitters, no conflicts (2 of 4 stars). 5 submissions from 5 submitters: Pathogenic (4); Likely pathogenic (1). Last evaluated 2025-10-21.

Conditions:
Lynch syndrome. Identifiers: Orphanet 144, MedGen C4552100, MONDO:0005835. Disease mechanism: loss of function.
Hereditary nonpolyposis colorectal neoplasms. Identifiers: MedGen C0009405, MeSH D003123.
Hereditary cancer-predisposing syndrome. Also called: Tumor predisposition; Hereditary neoplastic syndrome; Neoplastic Syndromes, Hereditary; Hereditary Cancer Syndrome. Identifiers: Orphanet 140162, MedGen C0027672, MeSH D009386, MONDO:0015356.
Lynch syndrome 5 (LYNCH5). Also called: Hereditary non-polyposis colorectal cancer, type 5; Colorectal cancer, hereditary nonpolyposis, type 5. Identifiers: Orphanet 144, MedGen C1833477, MONDO:0013710, OMIM 614350. Disease mechanism: loss of function.

Allele frequency attached by ClinVar (database versions not stated): gnomAD exomes below 0.00001.
gnomAD v4.1: 1 of 1,613,194 alleles (0.000062%); highest among the groups gnomAD compares: Non-Finnish European, 0.000085%; no homozygotes.

Submissions (5):

Ambry Genetics
Classification: Pathogenic for Hereditary cancer-predisposing syndrome. Last evaluated: 2025-10-21. Review status: criteria provided, single submitter. Criteria: Ambry Variant Classification Scheme 2023. Collection method: clinical testing. Allele origin: germline.
Comment: The p.R1318* pathogenic mutation (also known as c.3952A>T), located in coding exon 9 of the MSH6 gene, results from an A to T substitution at nucleotide position 3952. This changes the amino acid from an arginine to a stop codon within coding exon 9. This variant is considered to be rare based on population cohorts in the Genome Aggregation Database (gnomAD). This alteration is expected to result in loss of function by premature protein truncation or nonsense-mediated mRNA decay. As such, this alteration is interpreted as a disease-causing mutation.

GeneDx
Classification: Pathogenic. Last evaluated: 2025-08-18. Review status: criteria provided, single submitter. Criteria: GeneDx Variant Classification Process June 2021. Collection method: clinical testing. Allele origin: germline. Affected: yes.
Comment: Nonsense variant predicted to result in protein truncation in a gene for which loss of function is a known mechanism of disease; Not observed at significant frequency in large population cohorts (gnomAD); Truncating variants in this gene are considered pathogenic by a well-established clinical consortium and/or database; Observed in an individual with multiple Lynch syndrome-associated cancers who also harbored a separate variant of uncertain significance in MSH6 (PMID: 39568345); This variant is associated with the following publications: (PMID: 33809641, 39568345)

Labcorp Genetics (formerly Invitae), Labcorp
Classification: Pathogenic for Hereditary nonpolyposis colorectal neoplasms. Last evaluated: 2025-01-06. Review status: criteria provided, single submitter. Criteria: Invitae Variant Classification Sherloc (09022015). Collection method: clinical testing. Allele origin: germline.
Comment: This sequence change creates a premature translational stop signal (p.Arg1318*) in the MSH6 gene. It is expected to result in an absent or disrupted protein product. Loss-of-function variants in MSH6 are known to be pathogenic (PMID: 18269114, 24362816). This variant is not present in population databases (gnomAD no frequency). This premature translational stop signal has been observed in individual(s) with lymphoma (PMID: 33809641). ClinVar contains an entry for this variant (Variation ID: 667409). For these reasons, this variant has been classified as Pathogenic.

Myriad Genetics, Inc.
Classification: Pathogenic for Lynch syndrome 5. Last evaluated: 2023-08-28. Review status: criteria provided, single submitter. Criteria: Myriad Autosomal Dominant, Autosomal Recessive and X-Linked Classification Criteria (2023). Collection method: clinical testing. Allele origin: unknown.
Comment: This variant is considered pathogenic. This variant creates a termination codon and is predicted to result in premature protein truncation.

Laboratory for Molecular Medicine, Mass General Brigham Personalized Medicine
Classification: Likely pathogenic for Lynch syndrome. Last evaluated: 2017-12-14. Review status: criteria provided, single submitter. Criteria: LMM Criteria. Collection method: clinical testing. Allele origin: germline. Inheritance: Autosomal dominant inheritance. Observed: 1 variant allele.
Comment: The p.Arg1318X variant in MSH6 has not been previously reported in individuals w ith MSH6-associated cancers and was absent from large population studies. This n onsense variant leads to a premature termination codon at position 1318. This te rmination codon occurs within the terminal 50 bases of the second to last exon a nd is more likely to escape nonsense mediated decay (NMD), resulting in a trunca ted protein. Truncating variants downstream of this variant have been reported i n individuals with Lynch syndrome. In summary, although additional studies are required to fully establish its clinical significance, the p.Arg1318X variant is likely pathogenic. ACMG/AMP Criteria applied: PVS1_Strong; PM2.

Literature cited by the submitters: PubMed 18269114 (cited by Labcorp Genetics (formerly Invitae), Labcorp); PubMed 24362816 (cited by Labcorp Genetics (formerly Invitae), Labcorp); PubMed 33809641 (cited by Labcorp Genetics (formerly Invitae), Labcorp).